The following is an entry in ClinVar:

NC_000006.11:g.(42942777_42946006)_(42946920_?)del

Gene: PEX6 (peroxisomal biogenesis factor 6; minus strand). Cytogenetic location: 6p21.1.
Variant type: Deletion.
Identifiers: ClinVar variation 4688910 (VCV004688910.1).

ClinVar aggregate classification (germline): Pathogenic (1 of 4 stars; one submission).

Conditions:
Peroxisome biogenesis disorder. Identifiers: Orphanet 79189, MedGen C1832200, MONDO:0019234. Disease mechanism: loss of function.

Submission:

Women's Health and Genetics/Laboratory Corporation of America, LabCorp
Classification: Pathogenic for Peroxisome Biogenesis Disorder. Last evaluated: 2025-12-22. Review status: criteria provided, single submitter. Criteria: LabCorp Variant Classification Summary - May 2015. Collection method: clinical testing. Allele origin: germline.
Comment: Variant summary: The variant involves the deletion of exon 1 in the PEX6 gene. A presumed nomenclature of c.(?_-32)_(882+1_883-1)del has been designated for the purposes of this classification. The exact breakpoint at the 5' end of this variant is unknown, therefore this deletion may extend upstream of the annotated region of this gene. Although the exact breakpoints of this deletion are not known, it is predicted to remove the initiation codon and result in an absence of protein or a truncation of the encoded protein due to translation initiation at a downstream site. Loss-of-function variants in this gene are known to be pathogenic. The variant was absent in 21694 control chromosomes. To our knowledge, no occurrence of c.(?_-32)_(882+1_883-1)del in individuals affected with PEX6-related conditions and no experimental evidence demonstrating its impact on protein function have been reported. No submitters have cited clinical-significance assessments for this variant to ClinVar. Based on the evidence outlined above, the variant was classified as pathogenic.